The following is an entry in ClinVar:

ClinVar aggregate classification (germline): Conflicting classifications of pathogenicity. Review status: criteria provided, conflicting classifications (1 of 4 stars). 2 submissions from 2 submitters: Uncertain significance (1); Likely benign (1). Last evaluated 2025-09-01.

Conditions:
Combined immunodeficiency due to LRBA deficiency. Also called: Common variable immunodeficiency 8, with autoimmunity. Identifiers: Orphanet 445018, MedGen C3553512, MONDO:0013863, OMIM 614700.

Allele frequency attached by ClinVar (database versions not stated): ExAC 0.00001; gnomAD 0.00001; gnomAD exomes 0.00001.
gnomAD v4.1: 12 of 1,610,726 alleles (0.00075%); highest among the groups gnomAD compares: African/African-American, 0.0013%; no homozygotes.

Submissions (2):

CeGaT Center for Human Genetics Tuebingen
Classification: Uncertain significance. Last evaluated: 2025-09-01. Review status: criteria provided, single submitter. Criteria: CeGaT Center For Human Genetics Tuebingen Variant Classification Criteria Version 2. Collection method: clinical testing. Allele origin: germline. Affected: yes. Observed: 1 variant allele.
Comment: LRBA: PM2, BP4

Labcorp Genetics (formerly Invitae), Labcorp
Classification: Likely benign for Combined immunodeficiency due to LRBA deficiency. Last evaluated: 2024-08-13. Review status: criteria provided, single submitter. Criteria: Invitae Variant Classification Sherloc (09022015). Collection method: clinical testing. Allele origin: germline.

NM_001364905.1(LRBA):c.240G>A (p.Leu80=)

Gene: LRBA (LPS responsive beige-like anchor protein; minus strand). Cytogenetic location: 4q31.3.
Variant type: single nucleotide variant.
Coding change: c.240G>A on transcript NM_001364905.1 (MANE Select); coding-DNA position 240, G replaced by A.
Protein change: p.Leu80=; no amino-acid change (leucine 80 retained).
Molecular consequence: synonymous variant.
Genome position (GRCh38, 1-based): chr4:150,929,042, C>T on the plus strand (G>A on the coding strand, the complement: LRBA is on the minus strand). VCF-style: chr4-150929042-C-T. GRCh37 (hg19) VCF-style: chr4-151850194-C-T.
Other names: c.240G>A, p.Leu80= (NM_001199282.3, NM_001367550.1, NM_006726.5).
Identifiers: ClinVar variation 1012506 (VCV001012506.46), dbSNP rs765297527, ClinGen allele CA3103918.